The following is an entry in ClinVar:

NM_014244.5(ADAMTS2):c.859G>A (p.Val287Ile)

Gene: ADAMTS2 (ADAM metallopeptidase with thrombospondin type 1 motif 2; minus strand). Cytogenetic location: 5q35.3.
Variant type: single nucleotide variant.
Coding change: c.859G>A on transcript NM_014244.5 (MANE Select); coding-DNA position 859, G replaced by A.
Protein change: p.Val287Ile; replaces valine 287 with isoleucine.
Molecular consequence: missense variant.
Genome position (GRCh38, 1-based): chr5:179,207,545, C>T on the plus strand (G>A on the coding strand, the complement: ADAMTS2 is on the minus strand). VCF-style: chr5-179207545-C-T. GRCh37 (hg19) VCF-style: chr5-178634546-C-T.
Other names: c.859G>A, p.Val287Ile (NM_021599.4); short protein forms V287I.
Identifiers: ClinVar variation 537399 (VCV000537399.10), dbSNP rs148737005, ClinGen allele CA3596143.

ClinVar aggregate classification (germline): Uncertain significance. Review status: criteria provided, multiple submitters, no conflicts (2 of 4 stars). 4 submissions from 4 submitters: Uncertain significance (3). 1 of the submissions does not count toward it. Last evaluated 2023-12-11.

Conditions:
Inborn genetic diseases. Identifiers: MedGen C0950123, MeSH D030342.
Ehlers-Danlos syndrome, dermatosparaxis type. Also called: EDS VIIC; Dermatosparaxis; Ehlers-Danlos syndrome, type VII, autosomal recessive. Identifiers: Orphanet 1901, MedGen C2700425, MONDO:0009161, OMIM 225410.

Allele frequency attached by ClinVar (database versions not stated): gnomAD 0.00004 and 0.00005; gnomAD exomes 0.00005 and 0.00008; TOPMed 0.00005; ExAC 0.00007; ESP Exome Variant Server 0.00008.
gnomAD v4.1: 75 of 1,462,008 alleles (0.0051%); highest among the groups gnomAD compares: South Asian, 0.02%; no homozygotes.

Submissions (4):

Ambry Genetics
Classification: Uncertain significance for Inborn genetic diseases. Last evaluated: 2023-12-11. Review status: criteria provided, single submitter. Criteria: Ambry Variant Classification Scheme 2023. Collection method: clinical testing. Allele origin: germline.

Labcorp Genetics (formerly Invitae), Labcorp
Classification: Uncertain significance for Ehlers-Danlos syndrome, dermatosparaxis type. Last evaluated: 2021-08-28. Review status: criteria provided, single submitter. Criteria: Invitae Variant Classification Sherloc (09022015). Collection method: clinical testing. Allele origin: germline.
Comment: This sequence change replaces valine with isoleucine at codon 287 of the ADAMTS2 protein (p.Val287Ile). The valine residue is highly conserved and there is a small physicochemical difference between valine and isoleucine. This variant is present in population databases (rs148737005, ExAC 0.02%). This variant has not been reported in the literature in individuals affected with ADAMTS2-related conditions. ClinVar contains an entry for this variant (Variation ID: 537399). Algorithms developed to predict the effect of missense changes on protein structure and function are either unavailable or do not agree on the potential impact of this missense change (SIFT: "Deleterious"; PolyPhen-2: "Benign"; Align-GVGD: "Class C25"). In summary, the available evidence is currently insufficient to determine the role of this variant in disease. Therefore, it has been classified as a Variant of Uncertain Significance.

Illumina Laboratory Services, Illumina
Classification: Uncertain significance for Ehlers-Danlos syndrome, dermatosparaxis type. Last evaluated: 2018-01-15. Review status: criteria provided, single submitter. Criteria: ICSL Variant Classification Criteria 13 December 2019. Collection method: clinical testing. Allele origin: germline.

Natera, Inc.
Classification: Uncertain significance for Ehlers-Danlos syndrome type VIIC. Last evaluated: 2019-10-28. Review status: no assertion criteria provided. Collection method: clinical testing. Allele origin: germline. Not counted in ClinVar's aggregate classification.